The following is an entry in ClinVar:

ClinVar aggregate classification (germline): Uncertain significance. Review status: criteria provided, multiple submitters, no conflicts (2 of 4 stars). 2 submissions from 2 submitters: Uncertain significance (2). Last evaluated 2026-01-01.

Conditions:
Inborn genetic diseases. Identifiers: MedGen C0950123, MeSH D030342.

Allele frequency attached by ClinVar (database versions not stated): ExAC 0.00001; gnomAD 0.00001; TOPMed 0.00001.
gnomAD v4.1: 33 of 1,614,090 alleles (0.002%); highest among the groups gnomAD compares: African/African-American, 0.0027%; no homozygotes.

Submissions (2):

Labcorp Genetics (formerly Invitae), Labcorp
Classification: Uncertain significance. Last evaluated: 2026-01-01. Review status: criteria provided, single submitter. Criteria: Invitae Variant Classification Sherloc (09022015). Collection method: clinical testing. Allele origin: germline.
Comment: This sequence change replaces proline, which is neutral and non-polar, with serine, which is neutral and polar, at codon 667 of the EMC1 protein (p.Pro667Ser). This variant is present in population databases (rs763793904, gnomAD 0.007%). This variant has not been reported in the literature in individuals affected with EMC1-related conditions. ClinVar contains an entry for this variant (Variation ID: 1448447). Invitae Evidence Modeling of protein sequence and biophysical properties (such as structural, functional, and spatial information, amino acid conservation, physicochemical variation, residue mobility, and thermodynamic stability) indicates that this missense variant is not expected to disrupt EMC1 protein function with a negative predictive value of 80%. In summary, the available evidence is currently insufficient to determine the role of this variant in disease. Therefore, it has been classified as a Variant of Uncertain Significance.

Ambry Genetics
Classification: Uncertain significance for Inborn genetic diseases. Last evaluated: 2022-09-27. Review status: criteria provided, single submitter. Criteria: Ambry Variant Classification Scheme 2023. Collection method: clinical testing. Allele origin: germline.

NM_015047.3(EMC1):c.1999C>T (p.Pro667Ser)

Genes: EMC1 (ER membrane protein complex subunit 1; minus strand), EMC1-AS1 (EMC1 antisense RNA 1; plus strand). Cytogenetic location: 1p36.13.
Variant type: single nucleotide variant.
Coding change: c.1999C>T on transcript NM_015047.3 (MANE Select); coding-DNA position 1999, C replaced by T.
Protein change: p.Pro667Ser; replaces proline 667 with serine.
Molecular consequence: missense variant.
Genome position (GRCh38, 1-based): chr1:19,230,909, G>A on the plus strand (C>T on the coding strand, the complement: EMC1 is on the minus strand). VCF-style: chr1-19230909-G-A. GRCh37 (hg19) VCF-style: chr1-19557403-G-A.
Other names: c.1999C>T (NM_015047.1); c.1996C>T, p.Pro666Ser (NM_001271427.2, NM_001271428.2); c.1933C>T, p.Pro645Ser (NM_001271429.2); c.2008C>T, p.Pro670Ser (NM_001375820.1); c.2005C>T, p.Pro669Ser (NM_001375821.1); short protein forms P645S, P666S, P669S, P667S, P670S.
Identifiers: ClinVar variation 1448447 (VCV001448447.9), dbSNP rs763793904, ClinGen allele CA652433.
Genomic context (GRCh38, chr1:19,230,909, plus strand): 5'-GAAGCCGATATCCACACAGCCGTCCCTGCTCTGCATCCACCAAATAGAAGAAGATGGAAG[G>A]GGCAAGCTCATGTAGCTGTCGCAAGACATTCCGAGTGGCTGGAAAAGCTGTGACCTTGAA-3'
Protein context (NP_055862.1, residues 657-677): NVLRQLHELA[Pro667Ser]SIFFYLVDAE